The following is an entry in ClinVar:

ClinVar aggregate classification (germline): Uncertain significance. Review status: criteria provided, multiple submitters, no conflicts (2 of 4 stars). 3 submissions from 3 submitters: Uncertain significance (3). Last evaluated 2026-03-06.

Conditions:
Familial focal epilepsy with variable foci (FPEVF). Identifiers: Orphanet 98820, MedGen C1858477, MONDO:0020310.

Submissions (3):

GeneDx
Classification: Uncertain significance. Last evaluated: 2026-03-06. Review status: criteria provided, single submitter. Criteria: GeneDx Variant Classification Process June 2021. Collection method: clinical testing. Allele origin: germline.
Comment: Not observed at significant frequency in large population cohorts (gnomAD); In silico analysis supports that this missense variant has a deleterious effect on protein structure/function; Has not been previously published as pathogenic or benign to our knowledge

Labcorp Genetics (formerly Invitae), Labcorp
Classification: Uncertain significance for Familial focal epilepsy with variable foci. Last evaluated: 2025-12-16. Review status: criteria provided, single submitter. Criteria: Invitae Variant Classification Sherloc (09022015). Collection method: clinical testing. Allele origin: germline.
Comment: This sequence change replaces valine, which is neutral and non-polar, with phenylalanine, which is neutral and non-polar, at codon 151 of the DEPDC5 protein (p.Val151Phe). This variant is not present in population databases (gnomAD no frequency). This variant has not been reported in the literature in individuals affected with DEPDC5-related conditions. ClinVar contains an entry for this variant (Variation ID: 3380707). Experimental studies and prediction algorithms are not available or were not evaluated, and the functional significance of this variant is currently unknown. In summary, the available evidence is currently insufficient to determine the role of this variant in disease. Therefore, it has been classified as a Variant of Uncertain Significance.

Mayo Clinic Laboratories, Mayo Clinic
Classification: Uncertain significance. Last evaluated: 2024-07-19. Review status: criteria provided, single submitter. Criteria: ACMG Guidelines, 2015. Collection method: clinical testing. Allele origin: germline. Observed: 1 variant allele.
Comment: PM2

NM_001242896.3(DEPDC5):c.451G>T (p.Val151Phe)

Gene: DEPDC5 (DEP domain containing 5, GATOR1 subcomplex subunit; plus strand). Cytogenetic location: 22q12.2.
Variant type: single nucleotide variant.
Coding change: c.451G>T on transcript NM_001242896.3 (MANE Select); coding-DNA position 451, G replaced by T.
Protein change: p.Val151Phe; replaces valine 151 with phenylalanine.
Molecular consequence: missense variant. On other transcripts: non-coding transcript variant (5).
Genome position (GRCh38, 1-based): chr22:31,778,136, G>T. VCF-style: chr22-31778136-G-T. GRCh37 (hg19) VCF-style: chr22-32174122-G-T.
Other names: p.Val151Phe; c.451G>T, p.Val151Phe (NM_001007188.4, NM_001136029.4, NM_001242897.2 and 7 more transcripts); c.367G>T, p.Val123Phe (NM_001369901.1, NM_001369902.1); c.451G>T (NM_001242896.1); short protein forms V123F, V151F.
Identifiers: ClinVar variation 3380707 (VCV003380707.3).